The following is an entry in ClinVar:

ClinVar aggregate classification (germline): Conflicting classifications of pathogenicity. Review status: criteria provided, conflicting classifications (1 of 4 stars). 6 submissions from 6 submitters: Uncertain significance (1); Likely benign (5). Last evaluated 2026-04-01.

Conditions:
Inborn genetic diseases. Identifiers: MedGen C0950123, MeSH D030342.
Seckel syndrome 1 (SCKL1). Also called: MICROCEPHALIC PRIMORDIAL DWARFISM I. Identifiers: Orphanet 808, MedGen C4551474, MONDO:0008869, OMIM 210600.

Allele frequency attached by ClinVar (database versions not stated): gnomAD exomes 0.00010 and 0.00016; 1000 Genomes Project 30x 0.00016; ExAC 0.00019; 1000 Genomes Project 0.00020; gnomAD 0.00025 and 0.00029; TOPMed 0.00034; ESP Exome Variant Server 0.00038.
gnomAD v4.1: 183 of 1,614,044 alleles (0.011%); highest among the groups gnomAD compares: African/African-American, 0.12%; no homozygotes.

Submissions (6):

CeGaT Center for Human Genetics Tuebingen
Classification: Likely benign. Last evaluated: 2026-04-01. Review status: criteria provided, single submitter. Criteria: CeGaT Center For Human Genetics Tuebingen Variant Classification Criteria Version 2. Collection method: clinical testing. Allele origin: germline. Affected: yes. Observed: 1 variant allele.
Comment: ATR: BP4, BP7

Labcorp Genetics (formerly Invitae), Labcorp
Classification: Likely benign. Last evaluated: 2025-12-03. Review status: criteria provided, single submitter. Criteria: Invitae Variant Classification Sherloc (09022015). Collection method: clinical testing. Allele origin: germline.

Blueprint Genetics
Classification: Likely benign. Last evaluated: 2024-03-06. Review status: criteria provided, single submitter. Criteria: ACMG Guidelines, 2015. Collection method: clinical testing. Allele origin: germline.

Ambry Genetics
Classification: Likely benign for Inborn genetic diseases. Last evaluated: 2022-03-14. Review status: criteria provided, single submitter. Criteria: Ambry Variant Classification Scheme 2023. Collection method: clinical testing. Allele origin: germline.

Illumina Laboratory Services, Illumina
Classification: Uncertain significance for Seckel syndrome 1. Last evaluated: 2018-01-12. Review status: criteria provided, single submitter. Criteria: ICSL Variant Classification Criteria 13 December 2019. Collection method: clinical testing. Allele origin: germline.

Genetic Services Laboratory, University of Chicago
Classification: Likely benign. Last evaluated: 2013-12-11. Review status: criteria provided, single submitter. Criteria: ACMG Guidelines, 2007. Collection method: clinical testing. Allele origin: germline. Inheritance: Autosomal recessive inheritance.
Comment: Likely benign based on allele frequency in 1000 Genomes Project or ESP global frequency and its presence in a patient with a rare or unrelated disease phenotype. NOT Sanger confirmed

NM_001184.4(ATR):c.2205C>T (p.His735=)

Gene: ATR (ATR checkpoint kinase; minus strand). Cytogenetic location: 3q23.
Variant type: single nucleotide variant.
Coding change: c.2205C>T on transcript NM_001184.4 (MANE Select); coding-DNA position 2205, C replaced by T.
Protein change: p.His735=; no amino-acid change (histidine 735 retained).
Molecular consequence: synonymous variant.
Genome position (GRCh38, 1-based): chr3:142,556,013, G>A on the plus strand (C>T on the coding strand, the complement: ATR is on the minus strand). VCF-style: chr3-142556013-G-A. GRCh37 (hg19) VCF-style: chr3-142274855-G-A.
Other names: c.2013C>T, p.His671= (NM_001354579.2).
Identifiers: ClinVar variation 157969 (VCV000157969.22), dbSNP rs148955716, ClinGen allele CA171347.